The following is an entry in ClinVar:

ClinVar aggregate classification (germline): Uncertain significance (1 of 4 stars; one submission).

Conditions:
Neuropathy, hereditary sensory and autonomic, type 1C. Also called: HSAN IC; HSN IC. Identifiers: Orphanet 36386, MedGen C3150896, MONDO:0013337, OMIM 613640.

Allele frequency attached by ClinVar (database versions not stated): gnomAD 0.00001; gnomAD exomes 0.00001; TOPMed 0.00002.
gnomAD v4.1: 5 of 1,613,536 alleles (0.00031%); highest among the groups gnomAD compares: African/African-American, 0.0067%; no homozygotes.

Submission:

Labcorp Genetics (formerly Invitae), Labcorp
Classification: Uncertain significance for Neuropathy, hereditary sensory and autonomic, type 1C. Last evaluated: 2025-01-06. Review status: criteria provided, single submitter. Criteria: Invitae Variant Classification Sherloc (09022015). Collection method: clinical testing. Allele origin: germline.
Comment: This sequence change replaces isoleucine, which is neutral and non-polar, with threonine, which is neutral and polar, at codon 246 of the SPTLC2 protein (p.Ile246Thr). This variant is not present in population databases (gnomAD no frequency). This variant has not been reported in the literature in individuals affected with SPTLC2-related conditions. ClinVar contains an entry for this variant (Variation ID: 852292). Invitae Evidence Modeling of protein sequence and biophysical properties (such as structural, functional, and spatial information, amino acid conservation, physicochemical variation, residue mobility, and thermodynamic stability) indicates that this missense variant is expected to disrupt SPTLC2 protein function with a positive predictive value of 95%. In summary, the available evidence is currently insufficient to determine the role of this variant in disease. Therefore, it has been classified as a Variant of Uncertain Significance.

NM_004863.4(SPTLC2):c.737T>C (p.Ile246Thr)

Gene: SPTLC2 (serine palmitoyltransferase long chain base subunit 2; minus strand). Cytogenetic location: 14q24.3.
Variant type: single nucleotide variant.
Coding change: c.737T>C on transcript NM_004863.4 (MANE Select); coding-DNA position 737, T replaced by C.
Protein change: p.Ile246Thr; replaces isoleucine 246 with threonine.
Molecular consequence: missense variant.
Genome position (GRCh38, 1-based): chr14:77,570,403, A>G on the plus strand (T>C on the coding strand, the complement: SPTLC2 is on the minus strand). VCF-style: chr14-77570403-A-G. GRCh37 (hg19) VCF-style: chr14-78036746-A-G.
Other names: short protein forms I246T.
Identifiers: ClinVar variation 852292 (VCV000852292.9), dbSNP rs2079674859, ClinGen allele CA390712545.